The following is an entry in ClinVar:

NM_005027.4(PIK3R2):c.554T>C (p.Leu185Pro)

Genes: PIK3R2 (phosphoinositide-3-kinase regulatory subunit 2; plus strand), LOC130063979 (ATAC-STARR-seq lymphoblastoid silent region 10375; plus strand). Cytogenetic location: 19p13.11.
Variant type: single nucleotide variant.
Coding change: c.554T>C on transcript NM_005027.4 (MANE Select); coding-DNA position 554, T replaced by C.
Protein change: p.Leu185Pro; replaces leucine 185 with proline.
Molecular consequence: missense variant. On other transcripts: non-coding transcript variant (2).
Genome position (GRCh38, 1-based): chr19:18,161,141, T>C. VCF-style: chr19-18161141-T-C. GRCh37 (hg19) VCF-style: chr19-18271951-T-C.
Other names: short protein forms L185P.
Identifiers: ClinVar variation 1314320 (VCV001314320.2), dbSNP rs2147950220, ClinGen allele CA404805171.
Genomic context (GRCh38, chr19:18,161,141, plus strand): 5'-GGGACACGGCAGCCCTGGCTGACGGCATTAAGAGCTTCCTGCTGGCACTGCCCGCGCCGC[T>C]CGTGACCCCCGAGGCCTCGGCCGAGGCGCGCCGGGCCCTGCGGGGTGAGCCTGGCGGGTA-3'
Protein context (NP_005018.2, residues 175-195): KSFLLALPAP[Leu185Pro]VTPEASAEAR

ClinVar aggregate classification (germline): Uncertain significance (1 of 4 stars; one submission).

Submission:

GeneDx
Classification: Uncertain significance. Last evaluated: 2021-03-30. Review status: criteria provided, single submitter. Criteria: GeneDx Variant Classification Process June 2021. Collection method: clinical testing. Allele origin: germline. Affected: yes.
Comment: Not observed in large population cohorts (Lek et al., 2016); In silico analysis supports that this missense variant does not alter protein structure/function; Has not been previously published as pathogenic or benign to our knowledge